The following is an entry in ClinVar:

NM_139027.6(ADAMTS13):c.175C>T (p.Arg59Cys)

Gene: ADAMTS13 (ADAM metallopeptidase with thrombospondin type 1 motif 13; plus strand). Cytogenetic location: 9q34.2.
Variant type: single nucleotide variant.
Coding change: c.175C>T on transcript NM_139027.6 (MANE Select); coding-DNA position 175, C replaced by T.
Protein change: p.Arg59Cys; replaces arginine 59 with cysteine.
Molecular consequence: missense variant. On other transcripts: non-coding transcript variant (1).
Genome position (GRCh38, 1-based): chr9:133,424,323, C>T. VCF-style: chr9-133424323-C-T. GRCh37 (hg19) VCF-style: chr9-136289443-C-T.
Other names: c.175C>T, p.Arg59Cys (NM_139025.5, NM_139026.6); short protein forms R59C.
Identifiers: ClinVar variation 2076331 (VCV002076331.5), dbSNP rs139735640, ClinGen allele CA200880094.

ClinVar aggregate classification (germline): Likely benign. Review status: criteria provided, multiple submitters, no conflicts (2 of 4 stars). 2 submissions from 2 submitters: Likely benign (2). Last evaluated 2026-01-13.

Conditions:
ADAMTS13-related disorder. Also called: ADAMTS13-related condition.

Allele frequency attached by ClinVar (database versions not stated): gnomAD exomes 0.00018; ExAC 0.00048; gnomAD 0.00072; 1000 Genomes Project 0.00080; TOPMed 0.00081; ESP Exome Variant Server 0.00092; 1000 Genomes Project 30x 0.00109.
gnomAD v4.1: 363 of 1,612,410 alleles (0.023%); highest among the groups gnomAD compares: African/African-American, 0.26%; no homozygotes.

Submissions (2):

Labcorp Genetics (formerly Invitae), Labcorp
Classification: Likely benign. Last evaluated: 2026-01-13. Review status: criteria provided, single submitter. Criteria: Invitae Variant Classification Sherloc (09022015). Collection method: clinical testing. Allele origin: germline.

PreventionGenetics, part of Exact Sciences
Classification: Likely benign for ADAMTS13-related condition. Last evaluated: 2025-03-14. Review status: criteria provided, single submitter. Criteria: ACMG Guidelines, 2015. Collection method: clinical testing. Allele origin: germline.
Comment: This variant is classified as likely benign based on ACMG/AMP sequence variant interpretation guidelines (Richards et al. 2015 PMID: 25741868, with internal and published modifications).